The following is an entry in ClinVar:

NM_001160372.4(TRAPPC9):c.543G>A (p.Pro181=)

Gene: TRAPPC9 (trafficking protein particle complex subunit 9; minus strand). Cytogenetic location: 8q24.3.
Variant type: single nucleotide variant.
Coding change: c.543G>A on transcript NM_001160372.4 (MANE Select); coding-DNA position 543, G replaced by A.
Protein change: p.Pro181=; no amino-acid change (proline 181 retained).
Molecular consequence: synonymous variant. On other transcripts: non-coding transcript variant (1).
Genome position (GRCh38, 1-based): chr8:140,450,831, C>T on the plus strand (G>A on the coding strand, the complement: TRAPPC9 is on the minus strand). VCF-style: chr8-140450831-C-T. GRCh37 (hg19) VCF-style: chr8-141460930-C-T.
Other names: c.837G>A (NM_031466.7); c.543G>A, p.Pro181= (NM_001374684.1, NM_031466.8, NM_001321646.2 and 2 more transcripts).
Identifiers: ClinVar variation 437039 (VCV000437039.38), dbSNP rs149504969, ClinGen allele CA4893708.

ClinVar aggregate classification (germline): Benign/Likely benign. Review status: criteria provided, multiple submitters, no conflicts (2 of 4 stars). 5 submissions from 5 submitters: Benign (1); Likely benign (3). 1 of the submissions does not count toward it. Last evaluated 2025-11-04.

Conditions:
TRAPPC9-related disorder. Also called: TRAPPC9-related condition.
Inborn genetic diseases. Identifiers: MedGen C0950123, MeSH D030342.

Allele frequency attached by ClinVar (database versions not stated): ESP Exome Variant Server 0.00008; gnomAD 0.00012 and 0.00018; TOPMed 0.00013; gnomAD exomes 0.00026 and 0.00038; 1000 Genomes Project 30x 0.00047; ExAC 0.00058; 1000 Genomes Project 0.00060.
gnomAD v4.1: 410 of 1,612,984 alleles (0.025%); highest among the groups gnomAD compares: South Asian, 0.21%; 4 homozygotes.

Submissions (5):

Labcorp Genetics (formerly Invitae), Labcorp
Classification: Benign. Last evaluated: 2025-11-04. Review status: criteria provided, single submitter. Criteria: Invitae Variant Classification Sherloc (09022015). Collection method: clinical testing. Allele origin: germline.

CeGaT Center for Human Genetics Tuebingen
Classification: Likely benign. Last evaluated: 2024-12-01. Review status: criteria provided, single submitter. Criteria: CeGaT Center For Human Genetics Tuebingen Variant Classification Criteria Version 2. Collection method: clinical testing. Allele origin: germline. Affected: yes. Observed: 2 variant alleles.
Comment: TRAPPC9: BP4, BP7

Ambry Genetics
Classification: Likely benign for Inborn genetic diseases. Last evaluated: 2020-04-24. Review status: criteria provided, single submitter. Criteria: Ambry Variant Classification Scheme 2023. Collection method: clinical testing. Allele origin: germline.

Genetic Services Laboratory, University of Chicago
Classification: Likely benign. Last evaluated: 2016-11-22. Review status: criteria provided, single submitter. Criteria: ACMG Guidelines, 2015. Collection method: clinical testing. Allele origin: germline. Affected: no.

PreventionGenetics, part of Exact Sciences
Classification: Likely benign for TRAPPC9-related condition. Last evaluated: 2024-02-13. Review status: no assertion criteria provided. Collection method: clinical testing. Allele origin: germline. Not counted in ClinVar's aggregate classification.
Comment: This variant is classified as likely benign based on ACMG/AMP sequence variant interpretation guidelines (Richards et al. 2015 PMID: 25741868, with internal and published modifications).